The following is an entry in ClinVar:

NM_000226.4(KRT9):c.446T>G (p.Leu149Arg)

Gene: KRT9 (keratin 9; minus strand). Cytogenetic location: 17q21.2.
Variant type: single nucleotide variant.
Coding change: c.446T>G on transcript NM_000226.4 (MANE Select); coding-DNA position 446, T replaced by G.
Protein change: p.Leu149Arg; replaces leucine 149 with arginine.
Molecular consequence: missense variant.
Genome position (GRCh38, 1-based): chr17:41,571,547, A>C on the plus strand (T>G on the coding strand, the complement: KRT9 is on the minus strand). VCF-style: chr17-41571547-A-C. GRCh37 (hg19) VCF-style: chr17-39727799-A-C.
Other names: short protein forms L149R.
Identifiers: ClinVar variation 1307643 (VCV001307643.2), dbSNP rs1597794617, ClinGen allele CA399501152.
Genomic context (GRCh38, chr17:41,571,547, plus strand): 5'-TCCAAGTAAGAGGCCAGCCGAGAATTGAGTTCCTGCATGGTGCTCTTCTCATTAGCAGTC[A>C]GAATACCACCATCACCTCCTCCAGCACCACCTCCAAAGCCCCCAAACCCCCCAAACCCAC-3'
Protein context (NP_000217.2, residues 139-159): GGAGGGDGGI[Leu149Arg]TANEKSTMQE

ClinVar aggregate classification (germline): Uncertain significance (1 of 4 stars; one submission).

Submission:

GeneDx
Classification: Uncertain significance. Last evaluated: 2019-08-12. Review status: criteria provided, single submitter. Criteria: GeneDx Variant Classification Process June 2021. Collection method: clinical testing. Allele origin: germline. Affected: yes.
Comment: Not observed in large population cohorts (Lek et al., 2016); In silico analysis, which includes protein predictors and evolutionary conservation, supports a deleterious effect; Has not been previously published as pathogenic or benign to our knowledge